The following is an entry in ClinVar:

NM_000277.3(PAH):c.594T>G (p.Tyr198Ter)

Gene: PAH (phenylalanine hydroxylase; minus strand). Cytogenetic location: 12q23.2.
Variant type: single nucleotide variant.
Coding change: c.594T>G on transcript NM_000277.3 (MANE Select); coding-DNA position 594, T replaced by G.
Protein change: p.Tyr198Ter; replaces tyrosine 198 with a stop codon.
Molecular consequence: nonsense.
Genome position (GRCh38, 1-based): chr12:102,855,248, A>C on the plus strand (T>G on the coding strand, the complement: PAH is on the minus strand). VCF-style: chr12-102855248-A-C. GRCh37 (hg19) VCF-style: chr12-103249026-A-C.
Other names: NM_001354304.2:c.594T>G; c.594T>G, p.Tyr198Ter (NM_001354304.2); short protein forms Y198*.
Identifiers: ClinVar variation 2682159 (VCV002682159.1), dbSNP rs2499626201, ClinGen allele CA16020824.

ClinVar aggregate classification (germline): Pathogenic (3 of 4 stars; one submission).

Conditions:
Phenylketonuria (PKU). Also called: Phenylketonurias; FOLLING DISEASE; OLIGOPHRENIA PHENYLPYRUVICA; Phenylketonuria (PKU). Identifiers: Orphanet 716, MedGen C0031485, MONDO:0009861, OMIM 261600. Disease mechanism: loss of function.

Submission:

ClinGen PAH Variant Curation Expert Panel
Classification: Pathogenic for Phenylketonuria. Last evaluated: 2023-10-13. Review status: reviewed by expert panel. Criteria: ClinGen PAH ACMG Specifications v1. Collection method: curation. Allele origin: germline. Inheritance: Autosomal recessive inheritance.
Comment: The c.594T>G (p.Tyr198Ter) is a nonsense variant predicted to cause a premature stop codon in biologically relevant exon 6/13 leading to nonsense mediated decay in a gene in which loss-of-function is an established disease mechanism. It has been detected in a patient with PAH deficiency with second allele not reported (PMID: 21307867). This variant is absent in population databases. In summary, this variant meets criteria to be classified as Pathogenic for PAH deficiency based on the ACMG/AMP criteria applied, as specified by the ClinGen PAH VCEP: PM2, PP4_moderate, PVS1.